The following is an entry in ClinVar:

ClinVar aggregate classification (germline): Uncertain significance (1 of 4 stars; one submission).

Conditions:
Cardiovascular phenotype. Identifiers: MedGen CN230736.

gnomAD v4.1: 1 of 1,613,706 alleles (0.000062%); no homozygotes.

Submission:

Ambry Genetics
Classification: Uncertain significance for Cardiovascular phenotype. Last evaluated: 2025-12-16. Review status: criteria provided, single submitter. Criteria: Ambry Variant Classification Scheme 2023. Collection method: clinical testing. Allele origin: germline.
Comment: The p.E905D variant (also known as c.2715G>T), located in coding exon 22 of the ABCC9 gene, results from a G to T substitution at nucleotide position 2715. The glutamic acid at codon 905 is replaced by aspartic acid, an amino acid with highly similar properties. This amino acid position is conserved. In addition, this alteration is predicted to be tolerated by in silico analysis. Based on the available evidence, the clinical significance of this variant remains unclear.

NM_020297.4(ABCC9):c.2715G>T (p.Glu905Asp)

Gene: ABCC9 (ATP binding cassette subfamily C member 9; minus strand). Cytogenetic location: 12p12.1.
Variant type: single nucleotide variant.
Coding change: c.2715G>T on transcript NM_020297.4 (MANE Select); coding-DNA position 2715, G replaced by T.
Protein change: p.Glu905Asp; replaces glutamic acid 905 with aspartic acid.
Molecular consequence: missense variant.
Genome position (GRCh38, 1-based): chr12:21,852,151, C>A on the plus strand (G>T on the coding strand, the complement: ABCC9 is on the minus strand). VCF-style: chr12-21852151-C-A. GRCh37 (hg19) VCF-style: chr12-22005085-C-A.
Other names: c.2715G>T, p.Glu905Asp (NM_001377273.1, NM_005691.4); c.1848G>T, p.Glu616Asp (NM_001377274.1); short protein forms E905D, E616D.
Identifiers: ClinVar variation 4841524 (VCV004841524.1).